The following is an entry in ClinVar:

NM_002485.5(NBN):c.1424T>C (p.Met475Thr)

Gene: NBN (nibrin; minus strand). Cytogenetic location: 8q21.3.
Variant type: single nucleotide variant.
Coding change: c.1424T>C on transcript NM_002485.5 (MANE Select); coding-DNA position 1424, T replaced by C.
Protein change: p.Met475Thr; replaces methionine 475 with threonine.
Molecular consequence: missense variant.
Genome position (GRCh38, 1-based): chr8:89,953,665, A>G on the plus strand (T>C on the coding strand, the complement: NBN is on the minus strand). VCF-style: chr8-89953665-A-G. GRCh37 (hg19) VCF-style: chr8-90965893-A-G.
Other names: c.1178T>C, p.Met393Thr (NM_001024688.3); short protein forms M393T, M475T.
Identifiers: ClinVar variation 1772341 (VCV001772341.5), dbSNP rs2488234302, ClinGen allele CA371655879.

ClinVar aggregate classification (germline): Uncertain significance. Review status: criteria provided, multiple submitters, no conflicts (2 of 4 stars). 2 submissions from 2 submitters: Uncertain significance (2). Last evaluated 2025-01-17.

Conditions:
Microcephaly, normal intelligence and immunodeficiency (NBS). Also called: IMMUNODEFICIENCY, MICROCEPHALY, AND CHROMOSOMAL INSTABILITY; SEEMANOVA SYNDROME II; Nijmegen breakage syndrome; Microcephaly with normal intelligence immunodeficiency and lymphoreticular malignancies; Nonsyndromal microcephaly autosomal recessive with normal intelligence; Seemanova syndrome 2. Identifiers: Orphanet 647, MedGen C0398791, MONDO:0009623, OMIM 251260.
Hereditary cancer-predisposing syndrome. Also called: Tumor predisposition; Neoplastic Syndromes, Hereditary; Hereditary Cancer Syndrome; Hereditary neoplastic syndrome. Identifiers: Orphanet 140162, MedGen C0027672, MeSH D009386, MONDO:0015356.

Allele frequency attached by ClinVar (database versions not stated): gnomAD exomes below 0.00001.
gnomAD v4.1: 2 of 1,611,794 alleles (0.00012%); highest among the groups gnomAD compares: Non-Finnish European, 0.00017%; no homozygotes.

Submissions (2):

Ambry Genetics
Classification: Uncertain significance for Hereditary cancer-predisposing syndrome. Last evaluated: 2025-01-17. Review status: criteria provided, single submitter. Criteria: Ambry Variant Classification Scheme 2023. Collection method: clinical testing. Allele origin: germline.
Comment: The p.M475T variant (also known as c.1424T>C), located in coding exon 11 of the NBN gene, results from a T to C substitution at nucleotide position 1424. The methionine at codon 475 is replaced by threonine, an amino acid with similar properties. This amino acid position is not well conserved in available vertebrate species. In addition, this alteration is predicted to be tolerated by in silico analysis. Since supporting evidence is limited at this time, the clinical significance of this alteration remains unclear.

Labcorp Genetics (formerly Invitae), Labcorp
Classification: Uncertain significance for Microcephaly, normal intelligence and immunodeficiency. Last evaluated: 2021-09-01. Review status: criteria provided, single submitter. Criteria: Invitae Variant Classification Sherloc (09022015). Collection method: clinical testing. Allele origin: germline.
Comment: This sequence change replaces methionine with threonine at codon 475 of the NBN protein (p.Met475Thr). The methionine residue is weakly conserved and there is a moderate physicochemical difference between methionine and threonine. This variant is not present in population databases (ExAC no frequency). This variant has not been reported in the literature in individuals affected with NBN-related conditions. Algorithms developed to predict the effect of missense changes on protein structure and function output the following: SIFT: "Tolerated"; PolyPhen-2: "Benign"; Align-GVGD: "Class C0". The threonine amino acid residue is found in multiple mammalian species, which suggests that this missense change does not adversely affect protein function. In summary, the available evidence is currently insufficient to determine the role of this variant in disease. Therefore, it has been classified as a Variant of Uncertain Significance.